The following is an entry in ClinVar:

NM_001134407.3(GRIN2A):c.2831C>T (p.Ser944Leu)

Gene: GRIN2A (glutamate ionotropic receptor NMDA type subunit 2A; minus strand). Cytogenetic location: 16p13.2.
Variant type: single nucleotide variant.
Coding change: c.2831C>T on transcript NM_001134407.3 (MANE Select); coding-DNA position 2831, C replaced by T.
Protein change: p.Ser944Leu; replaces serine 944 with leucine.
Molecular consequence: missense variant.
Genome position (GRCh38, 1-based): chr16:9,764,713, G>A on the plus strand (C>T on the coding strand, the complement: GRIN2A is on the minus strand). VCF-style: chr16-9764713-G-A. GRCh37 (hg19) VCF-style: chr16-9858570-G-A.
Other names: c.2831C>T, p.Ser944Leu (NM_000833.5, NM_001134408.2); short protein forms S944L.
Identifiers: ClinVar variation 424535 (VCV000424535.2), dbSNP rs1064797025, ClinGen allele CA16620320.

ClinVar aggregate classification (germline): Uncertain significance (1 of 4 stars; one submission).

Submission:

GeneDx
Classification: Uncertain significance. Last evaluated: 2017-04-03. Review status: criteria provided, single submitter. Criteria: GeneDx Variant Classification (06012015). Collection method: clinical testing. Allele origin: germline. Affected: yes.
Comment: The S944L variant in the GRIN2A gene has not been reported previously as a pathogenic variant, nor as a benign variant, to our knowledge. The S944L variant is not observed in large population cohorts (Lek et al., 2016; 1000 Genomes Consortium et al., 2015; Exome Variant Server). The S944L variant is a non-conservative amino acid substitution, which is likely to impact secondary protein structure as these residues differ in polarity, charge, size and/or other properties. This substitution occurs at a position that is not conserved. In silico analysis is inconsistent in its predictions as to whether or not the variant is damaging to the protein structure/function. We interpret S944L as a variant of uncertain significance.